The following is an entry in ClinVar:

ClinVar aggregate classification (germline): Uncertain significance (1 of 4 stars; one submission).

Conditions:
Chédiak-Higashi syndrome (CHS). Also called: Chediak-Higashi Syndrome. Identifiers: Orphanet 167, MedGen C0007965, MONDO:0008963, OMIM 214500.

Allele frequency attached by ClinVar (database versions not stated): gnomAD exomes below 0.00001.
gnomAD v4.1: 2 of 1,613,880 alleles (0.00012%); highest among the groups gnomAD compares: Non-Finnish European, 0.00017%; no homozygotes.

Submission:

Labcorp Genetics (formerly Invitae), Labcorp
Classification: Uncertain significance for Chédiak-Higashi syndrome. Last evaluated: 2020-11-24. Review status: criteria provided, single submitter. Criteria: Invitae Variant Classification Sherloc (09022015). Collection method: clinical testing. Allele origin: germline.
Comment: This variant is not present in population databases (ExAC no frequency). This sequence change replaces cysteine with arginine at codon 990 of the LYST protein (p.Cys990Arg). The cysteine residue is moderately conserved and there is a large physicochemical difference between cysteine and arginine. This variant has not been reported in the literature in individuals with LYST-related conditions. Algorithms developed to predict the effect of missense changes on protein structure and function are either unavailable or do not agree on the potential impact of this missense change (SIFT: "Tolerated"; PolyPhen-2: "Probably Damaging"; Align-GVGD: "Class C0"). In summary, the available evidence is currently insufficient to determine the role of this variant in disease. Therefore, it has been classified as a Variant of Uncertain Significance.

NM_000081.4(LYST):c.2968T>C (p.Cys990Arg)

Gene: LYST (lysosomal trafficking regulator; minus strand). Cytogenetic location: 1q42.3.
Variant type: single nucleotide variant.
Coding change: c.2968T>C on transcript NM_000081.4 (MANE Select); coding-DNA position 2968, T replaced by C.
Protein change: p.Cys990Arg; replaces cysteine 990 with arginine.
Molecular consequence: missense variant.
Genome position (GRCh38, 1-based): chr1:235,806,168, A>G on the plus strand (T>C on the coding strand, the complement: LYST is on the minus strand). VCF-style: chr1-235806168-A-G. GRCh37 (hg19) VCF-style: chr1-235969468-A-G.
Other names: c.2968T>C, p.Cys990Arg (NM_001301365.1); short protein forms C990R.
Identifiers: ClinVar variation 1439940 (VCV001439940.7), dbSNP rs2527075973, ClinGen allele CA344954451.
Genomic context (GRCh38, chr1:235,806,168, plus strand): 5'-CTTGCTCCTCTTTGTGACTTCTGAACAGTTTCTGTATTATCATAAATATTAACTTATGGC[A>G]TACTCGGAAACCACCAAGCCTATAAAACTGTTTCTGGAACACTGAACTCAACATGTAGAT-3'
Protein context (NP_000072.2, residues 980-1000): QFYRLGGFRV[Cys990Arg]HKLIFMIIQK